The following is an entry in ClinVar:

NM_152490.5(B3GALNT2):c.1076G>A (p.Cys359Tyr)

Gene: B3GALNT2 (beta-1,3-N-acetylgalactosaminyltransferase 2; minus strand). Cytogenetic location: 1q42.3.
Variant type: single nucleotide variant.
Coding change: c.1076G>A on transcript NM_152490.5 (MANE Select); coding-DNA position 1076, G replaced by A.
Protein change: p.Cys359Tyr; replaces cysteine 359 with tyrosine.
Molecular consequence: missense variant.
Genome position (GRCh38, 1-based): chr1:235,455,634, C>T on the plus strand (G>A on the coding strand, the complement: B3GALNT2 is on the minus strand). VCF-style: chr1-235455634-C-T. GRCh37 (hg19) VCF-style: chr1-235618946-C-T.
Other names: short protein forms C359Y.
Identifiers: ClinVar variation 540916 (VCV000540916.9), dbSNP rs1553342979, ClinGen allele CA344957967.
Genomic context (GRCh38, chr1:235,455,634, plus strand): 5'-TTAGGCCCATCCAGATTCTTTTGGACAATCCTATTAAATACAGCTTCGAGGTCTATGTAA[C>T]AGTCATCATCTGTCTTCAGCAACAAATTGAAGCTCGTTGTTTCCACAGTCCTGTTGACAC-3'
Protein context (NP_689703.1, residues 349-369): FNLLLKTDDD[Cys359Tyr]YIDLEAVFNR

ClinVar aggregate classification (germline): Uncertain significance. Review status: criteria provided, multiple submitters, no conflicts (2 of 4 stars). 2 submissions from 2 submitters: Uncertain significance (2). Last evaluated 2019-07-11.

Conditions:
Muscular dystrophy-dystroglycanopathy (congenital with brain and eye anomalies), type a, 11 (MDDGA11). Also called: WALKER-WARBURG SYNDROME OR MUSCLE-EYE-BRAIN DISEASE, B3GALNT2-RELATED; Congenital muscular dystrophy-dystroglycanopathy with brain and eye anomalies, type A11; Muscular dystrophy-dystroglycanopathy (congenital with brain and eye anomalies, type A, 11. Identifiers: Orphanet 588, Orphanet 899, MedGen C3554638, MONDO:0014071, OMIM 615181.

Submissions (2):

Labcorp Genetics (formerly Invitae), Labcorp
Classification: Uncertain significance for Muscular dystrophy-dystroglycanopathy (congenital with brain and eye anomalies), type a, 11. Last evaluated: 2019-07-11. Review status: criteria provided, single submitter. Criteria: Invitae Variant Classification Sherloc (09022015). Collection method: clinical testing. Allele origin: germline.
Comment: In summary, the available evidence is currently insufficient to determine the role of this variant in disease. Therefore, it has been classified as a Variant of Uncertain Significance. Algorithms developed to predict the effect of missense changes on protein structure and function are either unavailable or do not agree on the potential impact of this missense change (SIFT: "Deleterious"; PolyPhen-2: "Benign"; Align-GVGD: "Class C0"). This variant has been observed in combination with another B3GALNT2 variant in individuals affected with clinical features of muscular dystrophy-dystroglycanopathy (PMID: 25326635, Invitae). ClinVar contains an entry for this variant (Variation ID: 540916). This variant is not present in population databases (ExAC no frequency). This sequence change replaces cysteine with tyrosine at codon 359 of the B3GALNT2 protein (p.Cys359Tyr). The cysteine residue is moderately conserved and there is a large physicochemical difference between cysteine and tyrosine.

Baylor Genetics
Classification: Uncertain significance for Muscular dystrophy-dystroglycanopathy (congenital with brain and eye anomalies), type a, 11. Last evaluated: 2017-09-01. Review status: criteria provided, single submitter. Criteria: ACMG Guidelines, 2015. Collection method: clinical testing. Allele origin: maternal. Inheritance: Autosomal recessive inheritance. Affected: yes.

Literature cited by the submitters: PubMed 25326635 (cited by Labcorp Genetics (formerly Invitae), Labcorp and Baylor Genetics).